The following is an entry in ClinVar:

ClinVar aggregate classification (germline): Conflicting classifications of pathogenicity. Review status: criteria provided, conflicting classifications (1 of 4 stars). 3 submissions from 3 submitters: Uncertain significance (2); Likely benign (1). Last evaluated 2026-02-27.

Conditions:
Ullrich congenital muscular dystrophy 2 (UCMD2). Identifiers: Orphanet 75840, MedGen C4225314, MONDO:0014654, OMIM 616470.
Bethlem myopathy 2 (BTHLM2). Identifiers: Orphanet 536516, Orphanet 610, MedGen C4225313, MONDO:0034022, OMIM 616471.

Allele frequency attached by ClinVar (database versions not stated): TOPMed below 0.00001; gnomAD 0.00001; gnomAD exomes 0.00001 and 0.00002; ExAC 0.00002; 1000 Genomes Project 30x 0.00016; 1000 Genomes Project 0.00020.
gnomAD v4.1: 9 of 1,612,170 alleles (0.00056%); highest among the groups gnomAD compares: Admixed American, 0.005%; no homozygotes.

Submissions (3):

Women's Health and Genetics/Laboratory Corporation of America, LabCorp
Classification: Uncertain significance. Last evaluated: 2026-02-27. Review status: criteria provided, single submitter. Criteria: LabCorp Variant Classification Summary - May 2015. Collection method: clinical testing. Allele origin: germline.
Comment: Variant summary: COL12A1 c.1318G>A (p.Asp440Asn) results in a conservative amino acid change in the encoded protein sequence. Algorithms developed to predict the effect of missense changes on protein structure and function are either unavailable or do not agree on the potential impact of this missense change. The variant allele was found at a frequency of 2.4e-05 in 245300 control chromosomes (gnomAD). The available data on variant occurrences in the general population are insufficient to allow any conclusion about variant significance. To our knowledge, no occurrence of c.1318G>A in individuals affected with COL12A1-related conditions and no experimental evidence demonstrating its impact on protein function have been reported. ClinVar contains an entry for this variant (Variation ID: 1338915). Based on the evidence outlined above, the variant was classified as uncertain significance.

Labcorp Genetics (formerly Invitae), Labcorp
Classification: Likely benign for Bethlem myopathy 2; Ullrich congenital muscular dystrophy 2. Last evaluated: 2025-02-13. Review status: criteria provided, single submitter. Criteria: Invitae Variant Classification Sherloc (09022015). Collection method: clinical testing. Allele origin: germline.

GeneDx
Classification: Uncertain significance. Last evaluated: 2022-01-20. Review status: criteria provided, single submitter. Criteria: GeneDx Variant Classification Process June 2021. Collection method: clinical testing. Allele origin: germline. Affected: yes.
Comment: Has not been previously published as pathogenic or benign to our knowledge; In silico analysis supports that this missense variant does not alter protein structure/function

NM_004370.6(COL12A1):c.1318G>A (p.Asp440Asn)

Gene: COL12A1 (collagen type XII alpha 1 chain; minus strand). Cytogenetic location: 6q13.
Variant type: single nucleotide variant.
Coding change: c.1318G>A on transcript NM_004370.6 (MANE Select); coding-DNA position 1318, G replaced by A.
Protein change: p.Asp440Asn; replaces aspartic acid 440 with asparagine.
Molecular consequence: missense variant. On other transcripts: intron variant (1).
Genome position (GRCh38, 1-based): chr6:75,183,623, C>T on the plus strand (G>A on the coding strand, the complement: COL12A1 is on the minus strand). VCF-style: chr6-75183623-C-T. GRCh37 (hg19) VCF-style: chr6-75893339-C-T.
Other names: c.73+19097G>A (NM_080645.3); short protein forms D440N.
Identifiers: ClinVar variation 1338915 (VCV001338915.6), dbSNP rs563331592, ClinGen allele CA3894217.